The following is an entry in ClinVar:

ClinVar aggregate classification (germline): Uncertain significance (1 of 4 stars; one submission).

Submission:

Labcorp Genetics (formerly Invitae), Labcorp
Classification: Uncertain significance. Last evaluated: 2025-12-29. Review status: criteria provided, single submitter. Criteria: Invitae Variant Classification Sherloc (09022015). Collection method: clinical testing. Allele origin: germline.
Comment: This sequence change replaces methionine, which is neutral and non-polar, with leucine, which is neutral and non-polar, at codon 588 of the TLR7 protein (p.Met588Leu). This variant is present in population databases (no rsID available, gnomAD 0.004%). This variant has not been reported in the literature in individuals affected with TLR7-related conditions. An algorithm developed to predict the effect of missense changes on protein structure and function (PolyPhen-2) suggests that this variant is likely to be tolerated. In summary, the available evidence is currently insufficient to determine the role of this variant in disease. Therefore, it has been classified as a Variant of Uncertain Significance.

NM_016562.4(TLR7):c.1762A>T (p.Met588Leu)

Gene: TLR7 (toll like receptor 7; plus strand). Cytogenetic location: Xp22.2.
Variant type: single nucleotide variant.
Coding change: c.1762A>T on transcript NM_016562.4 (MANE Select); coding-DNA position 1762, A replaced by T.
Protein change: p.Met588Leu; replaces methionine 588 with leucine.
Molecular consequence: missense variant.
Genome position (GRCh38, 1-based): chrX:12,887,270, A>T. VCF-style: chrX-12887270-A-T. GRCh37 (hg19) VCF-style: chrX-12905389-A-T.
Other names: short protein forms M588L.
Identifiers: ClinVar variation 4769168 (VCV004769168.1).